The following is an entry in ClinVar:

ClinVar aggregate classification (germline): Uncertain significance. Review status: criteria provided, multiple submitters, no conflicts (2 of 4 stars). 2 submissions from 2 submitters: Uncertain significance (2). Last evaluated 2025-08-29.

Conditions:
Charcot-Marie-Tooth disease axonal type 2F (CMT2F). Also called: CHARCOT-MARIE-TOOTH DISEASE, NEURONAL, TYPE 2F; Charcot-Marie-Tooth Neuropathy Type 2F. Identifiers: Orphanet 99940, MedGen C1847823, MONDO:0011687, OMIM 606595.

gnomAD v4.1: 3 of 1,542,092 alleles (0.00019%); highest among the groups gnomAD compares: African/African-American, 0.0014%; no homozygotes.

Submissions (2):

Mayo Clinic Laboratories, Mayo Clinic
Classification: Uncertain significance. Last evaluated: 2025-08-29. Review status: criteria provided, single submitter. Criteria: ACMG Guidelines, 2015. Collection method: clinical testing. Allele origin: germline. Observed: 1 variant allele.
Comment: PP3_moderate

Labcorp Genetics (formerly Invitae), Labcorp
Classification: Uncertain significance for Charcot-Marie-Tooth disease axonal type 2F. Last evaluated: 2024-07-19. Review status: criteria provided, single submitter. Criteria: Invitae Variant Classification Sherloc (09022015). Collection method: clinical testing. Allele origin: germline.
Comment: This sequence change replaces glutamic acid, which is acidic and polar, with lysine, which is basic and polar, at codon 108 of the HSPB1 protein (p.Glu108Lys). This variant is not present in population databases (gnomAD no frequency). This variant has not been reported in the literature in individuals affected with HSPB1-related conditions. Advanced modeling of protein sequence and biophysical properties (such as structural, functional, and spatial information, amino acid conservation, physicochemical variation, residue mobility, and thermodynamic stability) has been performed at Invitae for this missense variant, however the output from this modeling did not meet the statistical confidence thresholds required to predict the impact of this variant on HSPB1 protein function. In summary, the available evidence is currently insufficient to determine the role of this variant in disease. Therefore, it has been classified as a Variant of Uncertain Significance.

NM_001540.5(HSPB1):c.322G>A (p.Glu108Lys)

Gene: HSPB1 (heat shock protein family B (small) member 1; plus strand). Cytogenetic location: 7q11.23.
Variant type: single nucleotide variant.
Coding change: c.322G>A on transcript NM_001540.5 (MANE Select); coding-DNA position 322, G replaced by A.
Protein change: p.Glu108Lys; replaces glutamic acid 108 with lysine.
Molecular consequence: missense variant.
Genome position (GRCh38, 1-based): chr7:76,303,034, G>A. VCF-style: chr7-76303034-G-A. GRCh37 (hg19) VCF-style: chr7-75932351-G-A.
Other names: p.Glu108Lys; short protein forms E108K.
Identifiers: ClinVar variation 3626007 (VCV003626007.3).
Genomic context (GRCh38, chr7:76,303,034, plus strand): 5'-ATCCGGCACACTGCGGACCGCTGGCGCGTGTCCCTGGATGTCAACCACTTCGCCCCGGAC[G>A]AGCTGACGGTCAAGACCAAGGATGGCGTGGTGGAGATCACCGGTGAGCCCCCCTGCTCCT-3'
Protein context (NP_001531.1, residues 98-118): SLDVNHFAPD[Glu108Lys]LTVKTKDGVV